The following is an entry in ClinVar:

ClinVar aggregate classification (germline): Likely benign. Review status: criteria provided, multiple submitters, no conflicts (2 of 4 stars). 2 submissions from 2 submitters: Likely benign (2). Last evaluated 2023-06-26.

Conditions:
Hereditary breast ovarian cancer syndrome. Also called: BRCA1- and BRCA2-Associated Hereditary Breast and Ovarian Cancer; Hereditary breast and/or ovarian cancer syndrome; Hereditary breast and ovarian cancer syndrome; Hereditary breast and ovarian cancer syndrome (HBOC); Breast and ovarian cancer; Hereditary breast and ovarian cancer. Identifiers: Orphanet 145, MedGen C0677776, MeSH D061325, MONDO:0003582. Disease mechanism: loss of function.
Breast-ovarian cancer, familial, susceptibility to, 2 (BROVCA2). Also called: BRCA2 Hereditary Breast and Ovarian Cancer. Identifiers: Orphanet 145, MedGen C2675520, MONDO:0012933, OMIM 612555. Disease mechanism: loss of function.

Submissions (2):

All of Us Research Program, National Institutes of Health
Classification: Likely benign for Breast-ovarian cancer, familial, susceptibility to, 2. Last evaluated: 2023-06-26. Review status: criteria provided, single submitter. Criteria: ACMG Guidelines, 2015. Collection method: clinical testing. Allele origin: germline. Inheritance: Autosomal dominant inheritance. Observed: 1 variant allele, 1 heterozygote.
Comment: This study involves interpretation of variants in research participants for the purpose of population health screening. Participant phenotype was not available at the time of variant classification. Additional details can be found in publication PMID: 35346344, PMCID: PMC8962531

Labcorp Genetics (formerly Invitae), Labcorp
Classification: Likely benign for Hereditary breast ovarian cancer syndrome. Last evaluated: 2022-01-07. Review status: criteria provided, single submitter. Criteria: Invitae Variant Classification Sherloc (09022015). Collection method: clinical testing. Allele origin: germline.

NM_000059.4(BRCA2):c.5616A>G (p.Lys1872=)

Gene: BRCA2 (BRCA2 DNA repair associated; plus strand). Cytogenetic location: 13q13.1.
Variant type: single nucleotide variant.
Coding change: c.5616A>G on transcript NM_000059.4 (MANE Select); coding-DNA position 5616, A replaced by G.
Protein change: p.Lys1872=; no amino-acid change (lysine 1872 retained).
Molecular consequence: synonymous variant.
Genome position (GRCh38, 1-based): chr13:32,339,971, A>G. VCF-style: chr13-32339971-A-G. GRCh37 (hg19) VCF-style: chr13-32914108-A-G.
Identifiers: ClinVar variation 1021609 (VCV001021609.10), dbSNP rs2072533577, ClinGen allele CA483438768.